The following is an entry in ClinVar:

ClinVar aggregate classification (germline): Conflicting classifications of pathogenicity. Review status: criteria provided, conflicting classifications (1 of 4 stars). 3 submissions from 3 submitters: Uncertain significance (2); Benign (1). Last evaluated 2026-01-26.

Allele frequency attached by ClinVar (database versions not stated): ESP Exome Variant Server 0.00008; gnomAD 0.00011; TOPMed 0.00013.

Submissions (3):

Labcorp Genetics (formerly Invitae), Labcorp
Classification: Benign. Last evaluated: 2026-01-26. Review status: criteria provided, single submitter. Criteria: Invitae Variant Classification Sherloc (09022015). Collection method: clinical testing. Allele origin: germline.

Mayo Clinic Laboratories, Mayo Clinic
Classification: Uncertain significance. Last evaluated: 2025-03-03. Review status: criteria provided, single submitter. Criteria: ACMG Guidelines, 2015. Collection method: clinical testing. Allele origin: germline. Observed: 1 variant allele.
Comment: BP4

Ambry Genetics
Classification: Uncertain significance. Last evaluated: 2024-09-09. Review status: criteria provided, single submitter. Criteria: Ambry Variant Classification Scheme 2023. Collection method: clinical testing. Allele origin: germline.

NM_016816.4(OAS1):c.602G>A (p.Arg201His)

Gene: OAS1 (2'-5'-oligoadenylate synthetase 1; plus strand). Cytogenetic location: 12q24.13.
Variant type: single nucleotide variant.
Coding change: c.602G>A on transcript NM_016816.4 (MANE Select); coding-DNA position 602, G replaced by A.
Protein change: p.Arg201His; replaces arginine 201 with histidine.
Molecular consequence: missense variant.
Genome position (GRCh38, 1-based): chr12:112,911,183, G>A. VCF-style: chr12-112911183-G-A. GRCh37 (hg19) VCF-style: chr12-113348988-G-A.
Other names: p.Arg201His; c.602G>A, p.Arg201His (NM_001032409.3, NM_001320151.2, NM_002534.4); c.602G>A (NM_016816.2); short protein forms R201H.
Identifiers: ClinVar variation 1519571 (VCV001519571.9), dbSNP rs140799151, ClinGen allele CA6799827.